The following is an entry in ClinVar:

NM_000545.8(HNF1A):c.629C>T (p.Ser210Phe)

Gene: HNF1A (HNF1 homeobox A; plus strand). Cytogenetic location: 12q24.31.
Variant type: single nucleotide variant.
Coding change: c.629C>T on transcript NM_000545.8 (MANE Select); coding-DNA position 629, C replaced by T.
Protein change: p.Ser210Phe; replaces serine 210 with phenylalanine.
Molecular consequence: missense variant.
Genome position (GRCh38, 1-based): chr12:120,993,622, C>T. VCF-style: chr12-120993622-C-T. GRCh37 (hg19) VCF-style: chr12-121431425-C-T.
Other names: c.629C>T, p.Ser210Phe (NM_001306179.2); short protein forms S210F.
Identifiers: ClinVar variation 1338678 (VCV001338678.7), dbSNP rs2135839404, ClinGen allele CA386964564.

ClinVar aggregate classification (germline): Uncertain significance. Review status: criteria provided, multiple submitters, no conflicts (2 of 4 stars). 2 submissions from 2 submitters: Uncertain significance (2). Last evaluated 2023-05-20.

Submissions (2):

Labcorp Genetics (formerly Invitae), Labcorp
Classification: Uncertain significance. Last evaluated: 2023-05-20. Review status: criteria provided, single submitter. Criteria: Invitae Variant Classification Sherloc (09022015). Collection method: clinical testing. Allele origin: germline.
Comment: In summary, the available evidence is currently insufficient to determine the role of this variant in disease. Therefore, it has been classified as a Variant of Uncertain Significance. This sequence change replaces serine, which is neutral and polar, with phenylalanine, which is neutral and non-polar, at codon 210 of the HNF1A protein (p.Ser210Phe). This variant is not present in population databases (gnomAD no frequency). This missense change has been observed in individual(s) with clinical features of maturity-onset diabetes of the young (Invitae). ClinVar contains an entry for this variant (Variation ID: 1338678). Advanced modeling of protein sequence and biophysical properties (such as structural, functional, and spatial information, amino acid conservation, physicochemical variation, residue mobility, and thermodynamic stability) has been performed at Invitae for this missense variant, however the output from this modeling did not meet the statistical confidence thresholds required to predict the impact of this variant on HNF1A protein function.

Genetic Services Laboratory, University of Chicago
Classification: Uncertain significance. Last evaluated: 2021-12-20. Review status: criteria provided, single submitter. Criteria: ACMG Guidelines, 2015. Collection method: clinical testing. Allele origin: germline. Affected: no.
Comment: DNA sequence analysis of the HNF1A gene demonstrated a sequence change, c.629C>T, in exon 3 that results in an amino acid change, p.Ser210Phe. This sequence change does not appear to have been previously described in individuals with HNF1A-related disorders and has also not been described in population databases such as ExAC and gnomAD. The p.Ser210Phe change affects a highly conserved amino acid residue located in a domain of the HNF1A protein that is known to be functional. In-silico pathogenicity prediction tools (SIFT, PolyPhen2, Align GVGD, REVEL) provide contradictory results for the p.Ser210Phe substitution. Due to insufficient evidences and the lack of functional studies, the clinical significance of the p.Ser210Phe change remains unknown at this time.